The following is an entry in ClinVar:

NM_014795.4(ZEB2):c.3247C>T (p.Arg1083Trp)

Gene: ZEB2 (zinc finger E-box binding homeobox 2; minus strand). Cytogenetic location: 2q22.3.
Variant type: single nucleotide variant.
Coding change: c.3247C>T on transcript NM_014795.4 (MANE Select); coding-DNA position 3247, C replaced by T.
Protein change: p.Arg1083Trp; replaces arginine 1083 with tryptophan.
Molecular consequence: missense variant.
Genome position (GRCh38, 1-based): chr2:144,389,849, G>A on the plus strand (C>T on the coding strand, the complement: ZEB2 is on the minus strand). VCF-style: chr2-144389849-G-A. GRCh37 (hg19) VCF-style: chr2-145147416-G-A.
Other names: c.3175C>T, p.Arg1059Trp (NM_001171653.2); short protein forms R1059W, R1083W.
Identifiers: ClinVar variation 4866878 (VCV004866878.1).

ClinVar aggregate classification (germline): Uncertain significance (1 of 4 stars; one submission).

Conditions:
Inborn genetic diseases. Identifiers: MedGen C0950123, MeSH D030342.

Submission:

Ambry Genetics
Classification: Uncertain significance for Inborn genetic diseases. Last evaluated: 2026-04-23. Review status: criteria provided, single submitter. Criteria: Ambry Variant Classification Scheme 2023. Collection method: clinical testing. Allele origin: germline.
Comment: The c.3247C>T (p.R1083W) alteration is located in exon 10 (coding exon 9) of the ZEB2 gene. This alteration results from a C to T substitution at nucleotide position 3247, causing the arginine (R) at amino acid position 1083 to be replaced by a tryptophan (W). This variant was not reported in population-based cohorts in the Genome Aggregation Database (gnomAD). This missense variant is located in a region that has a low rate of benign missense variation (Lek, 2016; Firth, 2009). The in silico prediction for this alteration is inconclusive. Based on insufficient or conflicting evidence, the clinical significance of this alteration remains unclear.